The following is an entry in ClinVar:

ClinVar aggregate classification (germline): Pathogenic (1 of 4 stars; one submission).

Conditions:
Chédiak-Higashi syndrome (CHS). Also called: Chediak-Higashi Syndrome. Identifiers: Orphanet 167, MedGen C0007965, MONDO:0008963, OMIM 214500.

Submission:

Labcorp Genetics (formerly Invitae), Labcorp
Classification: Pathogenic for Chédiak-Higashi syndrome. Last evaluated: 2023-10-15. Review status: criteria provided, single submitter. Criteria: Invitae Variant Classification Sherloc (09022015). Collection method: clinical testing. Allele origin: germline.
Comment: This sequence change creates a premature translational stop signal (p.Val3321Glyfs*2) in the LYST gene. It is expected to result in an absent or disrupted protein product. Loss-of-function variants in LYST are known to be pathogenic (PMID: 9215679, 11857544). This variant is not present in population databases (gnomAD no frequency). This variant has not been reported in the literature in individuals affected with LYST-related conditions. For these reasons, this variant has been classified as Pathogenic.

Literature cited by the submitters: PubMed 9215679; PubMed 11857544.

NM_000081.4(LYST):c.9961dup (p.Val3321fs)

Genes: LYST (lysosomal trafficking regulator; minus strand), LOC126806063 (MED14-independent group 3 enhancer GRCh37_chr1:235871544-235872743; plus strand). Cytogenetic location: 1q42.3.
Variant type: Duplication.
Coding change: c.9961dup on transcript NM_000081.4 (MANE Select); coding-DNA position 9961, one base duplicated (G; older notation c.9961dupG).
Protein change: p.Val3321fs; shifts the reading frame from valine 3321.
Molecular consequence: frameshift variant.
Genome position (GRCh38, 1-based): chr1:235,709,273, C duplicated on the plus strand (G on the coding strand, the reverse complement: LYST is on the minus strand); the first of 3 consecutive C bases (chr1:235,709,273-235,709,275); duplicating any one gives the same sequence. VCF-style (leftmost placement, unchanged base first): chr1-235709272-A-AC. GRCh37 (hg19) VCF-style: chr1-235872572-A-AC.
Other names: c.9961dup, p.Val3321fs (NM_001301365.1); short protein forms V3321fs.
Identifiers: ClinVar variation 2768881 (VCV002768881.3), dbSNP rs2527364709, ClinGen allele CA2697555013.